The following is an entry in ClinVar:

NM_002471.4(MYH6):c.2717G>A (p.Arg906His)

Gene: MYH6 (myosin heavy chain 6; minus strand). Cytogenetic location: 14q11.2.
Variant type: single nucleotide variant.
Coding change: c.2717G>A on transcript NM_002471.4 (MANE Select); coding-DNA position 2717, G replaced by A.
Protein change: p.Arg906His; replaces arginine 906 with histidine.
Molecular consequence: missense variant.
Genome position (GRCh38, 1-based): chr14:23,393,877, C>T on the plus strand (G>A on the coding strand, the complement: MYH6 is on the minus strand). VCF-style: chr14-23393877-C-T. GRCh37 (hg19) VCF-style: chr14-23863086-C-T.
Other names: short protein forms R906H.
Identifiers: ClinVar variation 1284635 (VCV001284635.18), dbSNP rs527636904, ClinGen allele CA7115381.

ClinVar aggregate classification (germline): Conflicting classifications of pathogenicity. Review status: criteria provided, conflicting classifications (1 of 4 stars). 9 submissions from 9 submitters: Uncertain significance (5); Likely benign (2). 2 of the submissions do not count toward it. Last evaluated 2026-01-20.

Conditions:
Cardiovascular phenotype. Identifiers: MedGen CN230736.
Hypertrophic cardiomyopathy 1 (CMH1). Also called: Familial hypertrophic cardiomyopathy 1; MYH7-Related Familial Hypertrophic Cardiomyopathy. Identifiers: MedGen C3495498, MONDO:0008647, OMIM 192600.
Sick sinus syndrome 3, susceptibility to (SSS3). Identifiers: Orphanet 166282, MedGen C3279791, MONDO:0013568, OMIM 614090.
Atrial septal defect 3 (ASD3). Identifiers: Orphanet 1478, MedGen C3279790, MONDO:0013567, OMIM 614089.
Dilated cardiomyopathy 1EE (CMD1EE). Identifiers: Orphanet 154, MedGen C2750466, MONDO:0013198, OMIM 613252.
Hypertrophic cardiomyopathy 14. Identifiers: MedGen C2750467, MONDO:0013197, OMIM 613251.

Allele frequency attached by ClinVar (database versions not stated): 1000 Genomes Project 30x 0.00016; 1000 Genomes Project 0.00020.
gnomAD v4.1: 77 of 1,614,172 alleles (0.0048%); highest among the groups gnomAD compares: Middle Eastern, 0.016%; no homozygotes.

Submissions (9):

Labcorp Genetics (formerly Invitae), Labcorp
Classification: Uncertain significance for Hypertrophic cardiomyopathy 14. Last evaluated: 2026-01-20. Review status: criteria provided, single submitter. Criteria: Invitae Variant Classification Sherloc (09022015). Collection method: clinical testing. Allele origin: germline.
Comment: This sequence change replaces arginine, which is basic and polar, with histidine, which is basic and polar, at codon 906 of the MYH6 protein (p.Arg906His). This variant is present in population databases (rs527636904, gnomAD 0.01%). This variant has not been reported in the literature in individuals affected with MYH6-related conditions. ClinVar contains an entry for this variant (Variation ID: 1284635). Invitae Evidence Modeling of protein sequence and biophysical properties (such as structural, functional, and spatial information, amino acid conservation, physicochemical variation, residue mobility, and thermodynamic stability) indicates that this missense variant is not expected to disrupt MYH6 protein function with a negative predictive value of 80%. In summary, the available evidence is currently insufficient to determine the role of this variant in disease. Therefore, it has been classified as a Variant of Uncertain Significance.

Blueprint Genetics
Classification: Likely benign. Last evaluated: 2024-01-19. Review status: criteria provided, single submitter. Criteria: ACMG Guidelines, 2015. Collection method: clinical testing. Allele origin: germline.

Ambry Genetics
Classification: Uncertain significance for Cardiovascular phenotype. Last evaluated: 2023-11-01. Review status: criteria provided, single submitter. Criteria: Ambry Variant Classification Scheme 2023. Collection method: clinical testing. Allele origin: germline.
Comment: The p.R906H variant (also known as c.2717G>A), located in coding exon 20 of the MYH6 gene, results from a G to A substitution at nucleotide position 2717. The arginine at codon 906 is replaced by histidine, an amino acid with highly similar properties. This variant was detected in two individuals from a cardiomyopathy genetic testing cohort; however, clinical details were limited, and additional cardiac variants were detected (van Lint FHM et al. Neth Heart J, 2019 Jun;27:304-309). This amino acid position is highly conserved in available vertebrate species. In addition, this alteration is predicted to be deleterious by in silico analysis. Since supporting evidence is limited at this time, the clinical significance of this alteration remains unclear.

Women's Health and Genetics/Laboratory Corporation of America, LabCorp
Classification: Likely benign. Last evaluated: 2023-07-22. Review status: criteria provided, single submitter. Criteria: LabCorp Variant Classification Summary - May 2015. Collection method: clinical testing. Allele origin: germline.

Fulgent Genetics
Classification: Uncertain significance for Hypertrophic cardiomyopathy 1; Hypertrophic cardiomyopathy 14; Dilated cardiomyopathy 1EE; Atrial septal defect 3; Sick sinus syndrome 3, susceptibility to. Last evaluated: 2021-08-17. Review status: criteria provided, single submitter. Criteria: ACMG Guidelines, 2015. Collection method: clinical testing. Allele origin: unknown.

GeneDx
Classification: Uncertain significance. Last evaluated: 2021-06-28. Review status: criteria provided, single submitter. Criteria: GeneDx Variant Classification Process June 2021. Collection method: clinical testing. Allele origin: germline. Affected: yes.
Comment: Has not been previously published as pathogenic or benign to our knowledge; In silico analysis supports that this missense variant has a deleterious effect on protein structure/function; Reported in ClinVar as a variant of uncertain significance (ClinVar Variant ID# 946324; Landrum et al., 2016); This variant is associated with the following publications: (PMID: 26582918, 27535533)

Juno Genomics, Hangzhou Juno Genomics, Inc
Classification: Uncertain significance for Atrial septal defect 3; Sick sinus syndrome 3, susceptibility to; Dilated cardiomyopathy 1EE; Hypertrophic cardiomyopathy 14. Review status: criteria provided, single submitter. Criteria: ACMG Guidelines, 2015. Collection method: clinical testing. Allele origin: germline.
Comment: Multiple lines of computational evidence support a deleterious effect on the gene or gene product.;Missense variant in a gene that has a low rate of benign missense variation.

Clinical Genetics, Academic Medical Center
Classification: Uncertain significance. Review status: no assertion criteria provided. Collection method: clinical testing. Allele origin: germline. Affected: yes. Study: VKGL Data-share Consensus. Not counted in ClinVar's aggregate classification.

Joint Genome Diagnostic Labs from Nijmegen and Maastricht, Radboudumc and MUMC+
Classification: Uncertain significance. Review status: no assertion criteria provided. Collection method: clinical testing. Allele origin: germline. Affected: yes. Study: VKGL Data-share Consensus. Not counted in ClinVar's aggregate classification.

Literature cited by the submitters: PubMed 30847666 (cited by Ambry Genetics).